The following is an entry in ClinVar:

NM_173596.3(SLC39A5):c.861G>T (p.Pro287=)

Gene: SLC39A5 (solute carrier family 39 member 5; plus strand). Cytogenetic location: 12q13.3.
Variant type: single nucleotide variant.
Coding change: c.861G>T on transcript NM_173596.3 (MANE Select); coding-DNA position 861, G replaced by T.
Protein change: p.Pro287=; no amino-acid change (proline 287 retained).
Molecular consequence: synonymous variant.
Genome position (GRCh38, 1-based): chr12:56,235,616, G>T. VCF-style: chr12-56235616-G-T. GRCh37 (hg19) VCF-style: chr12-56629400-G-T.
Other names: c.861G>T, p.Pro287= (NM_001135195.2).
Identifiers: ClinVar variation 4989553 (VCV004989553.1).

ClinVar aggregate classification (germline): Benign (1 of 4 stars; one submission).

Conditions:
SLC39A5-related disorder. Also called: SLC39A5-related condition.

Submission:

PreventionGenetics, part of Exact Sciences
Classification: Benign for SLC39A5-related condition. Last evaluated: 2025-07-15. Review status: criteria provided, single submitter. Criteria: ACMG Guidelines, 2015. Collection method: clinical testing. Allele origin: germline.
Comment: This variant is classified as benign based on ACMG/AMP sequence variant interpretation guidelines (Richards et al. 2015 PMID: 25741868, with internal and published modifications).